The following is an entry in ClinVar:

ClinVar aggregate classification (germline): Uncertain significance. Review status: criteria provided, multiple submitters, no conflicts (2 of 4 stars). 2 submissions from 2 submitters: Uncertain significance (2). Last evaluated 2025-08-14.

Conditions:
LRP2-related disorder. Also called: LRP2-related condition.
Inborn genetic diseases. Identifiers: MedGen C0950123, MeSH D030342.

gnomAD v4.1: 2 of 1,614,188 alleles (0.00012%); no homozygotes.

Submissions (2):

Ambry Genetics
Classification: Uncertain significance for Inborn genetic diseases. Last evaluated: 2025-08-14. Review status: criteria provided, single submitter. Criteria: Ambry Variant Classification Scheme 2023. Collection method: clinical testing. Allele origin: germline.

PreventionGenetics, part of Exact Sciences
Classification: Uncertain significance for LRP2-related condition. Last evaluated: 2025-05-06. Review status: criteria provided, single submitter. Criteria: ACMG Guidelines, 2015. Collection method: clinical testing. Allele origin: germline.
Comment: The LRP2 c.3052A>G variant is predicted to result in the amino acid substitution p.Thr1018Ala. To our knowledge, this variant has not been reported in the literature or in a large population database (gnomAD), indicating this variant is rare. At this time, the clinical significance of this variant is uncertain due to the absence of conclusive functional and genetic evidence.

NM_004525.3(LRP2):c.3052A>G (p.Thr1018Ala)

Gene: LRP2 (LDL receptor related protein 2; minus strand). Cytogenetic location: 2q31.1.
Variant type: single nucleotide variant.
Coding change: c.3052A>G on transcript NM_004525.3 (MANE Select); coding-DNA position 3052, A replaced by G.
Protein change: p.Thr1018Ala; replaces threonine 1018 with alanine.
Molecular consequence: missense variant.
Genome position (GRCh38, 1-based): chr2:169,246,843, T>C on the plus strand (A>G on the coding strand, the complement: LRP2 is on the minus strand). VCF-style: chr2-169246843-T-C. GRCh37 (hg19) VCF-style: chr2-170103353-T-C.
Other names: short protein forms T1018A.
Identifiers: ClinVar variation 4099856 (VCV004099856.2).